The following is an entry in ClinVar:

NM_001004334.4(GPR179):c.1618G>A (p.Asp540Asn)

Gene: GPR179 (G protein-coupled receptor 179; minus strand). Cytogenetic location: 17q12.
Variant type: single nucleotide variant.
Coding change: c.1618G>A on transcript NM_001004334.4 (MANE Select); coding-DNA position 1618, G replaced by A.
Protein change: p.Asp540Asn; replaces aspartic acid 540 with asparagine.
Molecular consequence: missense variant.
Genome position (GRCh38, 1-based): chr17:38,335,060, C>T on the plus strand (G>A on the coding strand, the complement: GPR179 is on the minus strand). VCF-style: chr17-38335060-C-T. GRCh37 (hg19) VCF-style: chr17-36490943-C-T.
Other names: short protein forms D540N.
Identifiers: ClinVar variation 4704659 (VCV004704659.1).

ClinVar aggregate classification (germline): Uncertain significance (1 of 4 stars; one submission).

Submission:

Labcorp Genetics (formerly Invitae), Labcorp
Classification: Uncertain significance. Last evaluated: 2025-11-20. Review status: criteria provided, single submitter. Criteria: Invitae Variant Classification Sherloc (09022015). Collection method: clinical testing. Allele origin: germline.
Comment: This sequence change replaces aspartic acid, which is acidic and polar, with asparagine, which is neutral and polar, at codon 540 of the GPR179 protein (p.Asp540Asn). This variant is present in population databases (no rsID available, gnomAD 0.007%). This variant has not been reported in the literature in individuals affected with GPR179-related conditions. An algorithm developed to predict the effect of missense changes on protein structure and function (PolyPhen-2) suggests that this variant is likely to be disruptive. In summary, the available evidence is currently insufficient to determine the role of this variant in disease. Therefore, it has been classified as a Variant of Uncertain Significance.